The following is an entry in ClinVar:

NM_000455.5(STK11):c.818C>T (p.Ala273Val)

Gene: STK11 (serine/threonine kinase 11; plus strand). Cytogenetic location: 19p13.3.
Variant type: single nucleotide variant.
Coding change: c.818C>T on transcript NM_000455.5 (MANE Select); coding-DNA position 818, C replaced by T.
Protein change: p.Ala273Val; replaces alanine 273 with valine.
Molecular consequence: missense variant.
Genome position (GRCh38, 1-based): chr19:1,221,296, C>T. VCF-style: chr19-1221296-C-T. GRCh37 (hg19) VCF-style: chr19-1221295-C-T.
Other names: short protein forms A273V.
Identifiers: ClinVar variation 1021069 (VCV001021069.14), dbSNP rs761164605, ClinGen allele CA049024.
Genomic context (GRCh38, chr19:1,221,296, plus strand): 5'-ACCCCTTCGAAGGGGACAACATCTACAAGTTGTTTGAGAACATCGGGAAGGGGAGCTACG[C>T]CATCCCGGGCGACTGTGGCCCCCCGCTCTCTGACCTGCTGAAAGGTGGGAGCCTCATCCC-3'
Protein context (NP_000446.1, residues 263-283): LFENIGKGSY[Ala273Val]IPGDCGPPLS

ClinVar aggregate classification (germline): Conflicting classifications of pathogenicity. Review status: criteria provided, conflicting classifications (1 of 4 stars). 6 submissions from 6 submitters: Uncertain significance (5); Likely benign (1). Last evaluated 2025-10-07.

Conditions:
Melanoma, cutaneous malignant, susceptibility to, 1 (CMM1). Also called: MELANOMA, MALIGNANT; DYSPLASTIC NEVUS SYNDROME, HEREDITARY; FAMILIAL ATYPICAL MOLE-MALIGNANT MELANOMA SYNDROME; B-K MOLE SYNDROME. Identifiers: Orphanet 618, MedGen C1835047, MONDO:0007963, OMIM 155600.
Peutz-Jeghers syndrome (PJS). Also called: Peutz-Jeghers polyposis; Periorificial lentiginosis syndrome; POLYPOSIS, HAMARTOMATOUS INTESTINAL; POLYPS-AND-SPOTS SYNDROME. Identifiers: Orphanet 2869, MedGen C0031269, MeSH D010580, MONDO:0008280, OMIM 175200.
Hereditary cancer-predisposing syndrome. Also called: Hereditary neoplastic syndrome; Neoplastic Syndromes, Hereditary; Tumor predisposition; Hereditary Cancer Syndrome. Identifiers: Orphanet 140162, MedGen C0027672, MeSH D009386, MONDO:0015356.

Allele frequency attached by ClinVar (database versions not stated): gnomAD exomes below 0.00001 and 0.00001; ExAC 0.00001.
gnomAD v4.1: 4 of 1,610,946 alleles (0.00025%); highest among the groups gnomAD compares: East Asian, 0.0022%; no homozygotes.

Submissions (6):

Labcorp Genetics (formerly Invitae), Labcorp
Classification: Uncertain significance for Peutz-Jeghers syndrome. Last evaluated: 2025-10-07. Review status: criteria provided, single submitter. Criteria: Invitae Variant Classification Sherloc (09022015). Collection method: clinical testing. Allele origin: germline.
Comment: This sequence change replaces alanine, which is neutral and non-polar, with valine, which is neutral and non-polar, at codon 273 of the STK11 protein (p.Ala273Val). This variant is present in population databases (rs761164605, gnomAD 0.01%). This missense change has been observed in individual(s) with pancreatic ductal adenocarcinoma (PMID: 35171259). ClinVar contains an entry for this variant (Variation ID: 1021069). Invitae Evidence Modeling of protein sequence and biophysical properties (such as structural, functional, and spatial information, amino acid conservation, physicochemical variation, residue mobility, and thermodynamic stability) indicates that this missense variant is not expected to disrupt STK11 protein function with a negative predictive value of 95%. In summary, the available evidence is currently insufficient to determine the role of this variant in disease. Therefore, it has been classified as a Variant of Uncertain Significance.

Baylor Genetics
Classification: Uncertain significance for Melanoma, cutaneous malignant, susceptibility to, 1. Last evaluated: 2023-10-01. Review status: criteria provided, single submitter. Criteria: ACMG Guidelines, 2015. Collection method: clinical testing. Allele origin: unknown.

All of Us Research Program, National Institutes of Health
Classification: Uncertain significance for Peutz-Jeghers syndrome. Last evaluated: 2023-08-08. Review status: criteria provided, single submitter. Criteria: ACMG Guidelines, 2015. Collection method: clinical testing. Allele origin: germline. Inheritance: Autosomal dominant inheritance. Observed: 1 variant allele, 1 heterozygote.
Comment: This missense variant replaces alanine with valine at codon 273 of the STK11 protein. Computational prediction suggests that this variant may not impact protein structure and function (internally defined REVEL score threshold <= 0.5, PMID: 27666373). To our knowledge, functional studies have not been reported for this variant. This variant has not been reported in individuals affected with STK11-related disorders in the literature. This variant has been identified in 2/243892 chromosomes in the general population by the Genome Aggregation Database (gnomAD). The available evidence is insufficient to determine the role of this variant in disease conclusively. Therefore, this variant is classified as a Variant of Uncertain Significance.

This study involves interpretation of variants in research participants for the purpose of population health screening. Participant phenotype was not available at the time of variant classification. Additional details can be found in publication PMID: 35346344, PMCID: PMC8962531

Ambry Genetics
Classification: Likely benign for Hereditary cancer-predisposing syndrome. Last evaluated: 2023-01-10. Review status: criteria provided, single submitter. Criteria: Ambry Variant Classification Scheme 2023. Collection method: clinical testing. Allele origin: germline.

Genome-Nilou Lab
Classification: Uncertain significance for Peutz-Jeghers syndrome. Last evaluated: 2021-07-15. Review status: criteria provided, single submitter. Criteria: ACMG Guidelines, 2015. Collection method: clinical testing. Allele origin: germline. Affected: no.

GeneDx
Classification: Uncertain significance. Last evaluated: 2020-09-28. Review status: criteria provided, single submitter. Criteria: GeneDx Variant Classification Process June 2021. Collection method: clinical testing. Allele origin: germline. Affected: yes.
Comment: Not observed at a significant frequency in large population cohorts (Lek 2016); In silico analysis supports that this missense variant does not alter protein structure/function; Has not been previously published as pathogenic or benign to our knowledge

Literature cited by the submitters: PubMed 35171259 (cited by Labcorp Genetics (formerly Invitae), Labcorp).